The following is an entry in ClinVar:

NM_001035.3(RYR2):c.12892G>A (p.Val4298Met)

Genes: RYR2 (ryanodine receptor 2; plus strand), LOC126806068 (BRD4-independent group 4 enhancer GRCh37_chr1:237947411-237948610; plus strand). Cytogenetic location: 1q43.
Variant type: single nucleotide variant.
Coding change: c.12892G>A on transcript NM_001035.3 (MANE Select); coding-DNA position 12892, G replaced by A.
Protein change: p.Val4298Met; replaces valine 4298 with methionine.
Molecular consequence: missense variant.
Genome position (GRCh38, 1-based): chr1:237,784,604, G>A. VCF-style: chr1-237784604-G-A. GRCh37 (hg19) VCF-style: chr1-237947904-G-A.
Other names: c.12892G>A (NM_001035.2); short protein forms V4298M.
Identifiers: ClinVar variation 1053845 (VCV001053845.10), dbSNP rs745927659, ClinGen allele CA066724.

ClinVar aggregate classification (germline): Uncertain significance. Review status: criteria provided, multiple submitters, no conflicts (2 of 4 stars). 3 submissions from 3 submitters: Uncertain significance (3). Last evaluated 2025-08-30.

Conditions:
Cardiovascular phenotype. Identifiers: MedGen CN230736.
Catecholaminergic polymorphic ventricular tachycardia 1. Also called: VENTRICULAR TACHYCARDIA, STRESS-INDUCED POLYMORPHIC 1; VENTRICULAR TACHYCARDIA, CATECHOLAMINERGIC POLYMORPHIC, 1, WITH OR WITHOUT ATRIAL DYSFUNCTION AND/OR DILATED CARDIOMYOPATHY; RYR2-Related Catecholaminergic Polymorphic Ventricular Tachycardia. Identifiers: Orphanet 3286, MedGen C1631597, MONDO:0011484, OMIM 604772.

Allele frequency attached by ClinVar (database versions not stated): gnomAD exomes below 0.00001 and 0.00001; TOPMed below 0.00001; ExAC 0.00001.
gnomAD v4.1: 3 of 1,613,852 alleles (0.00019%); highest among the groups gnomAD compares: Admixed American, 0.005%; no homozygotes.

Submissions (3):

GeneDx
Classification: Uncertain significance. Last evaluated: 2025-08-30. Review status: criteria provided, single submitter. Criteria: GeneDx Variant Classification Process June 2021. Collection method: clinical testing. Allele origin: germline. Affected: yes.
Comment: Observed in a patient with long QT syndrome (PMID: 21126784); Located in one of the three hot-spot regions of the RYR2 gene, where the majority of pathogenic missense variants occur (PMID: 19926015); Not observed at significant frequency in large population cohorts (gnomAD); In silico analysis suggests that this missense variant does not alter protein structure/function; Also known as p.V4299M; This variant is associated with the following publications: (PMID: 21126784, 19926015)

Labcorp Genetics (formerly Invitae), Labcorp
Classification: Uncertain significance for Catecholaminergic polymorphic ventricular tachycardia 1. Last evaluated: 2022-04-11. Review status: criteria provided, single submitter. Criteria: Invitae Variant Classification Sherloc (09022015). Collection method: clinical testing. Allele origin: germline.
Comment: This sequence change replaces valine, which is neutral and non-polar, with methionine, which is neutral and non-polar, at codon 4298 of the RYR2 protein (p.Val4298Met). This variant is present in population databases (rs745927659, gnomAD 0.003%). This missense change has been observed in individual(s) with long QT syndrome (PMID: 21126784). This variant is also known as Val4299Met. ClinVar contains an entry for this variant (Variation ID: 1053845). Advanced modeling of protein sequence and biophysical properties (such as structural, functional, and spatial information, amino acid conservation, physicochemical variation, residue mobility, and thermodynamic stability) performed at Invitae indicates that this missense variant is not expected to disrupt RYR2 protein function. In summary, the available evidence is currently insufficient to determine the role of this variant in disease. Therefore, it has been classified as a Variant of Uncertain Significance.

Ambry Genetics
Classification: Uncertain significance for Cardiovascular phenotype. Last evaluated: 2021-05-24. Review status: criteria provided, single submitter. Criteria: Ambry Variant Classification Scheme 2023. Collection method: clinical testing. Allele origin: germline.
Comment: The c.12892G>A (p.V4298M) alteration is located in exon 90 (coding exon 90) of the RYR2 gene. This alteration results from a G to A substitution at nucleotide position 12892, causing the valine (V) at amino acid position 4298 to be replaced by a methionine (M). This alteration, also known as V4299M, was reported in a patient with long QT syndrome (Kauferstein, 2011). The in silico prediction for the p.V4298M alteration is inconclusive. Based on insufficient or conflicting evidence, the clinical significance of this alteration remains unclear.

Literature cited by the submitters: PubMed 21126784 (cited by Labcorp Genetics (formerly Invitae), Labcorp and Ambry Genetics).